The following is an entry in ClinVar:

NM_005529.7(HSPG2):c.7276C>T (p.Pro2426Ser)

Gene: HSPG2 (heparan sulfate proteoglycan 2; minus strand). Cytogenetic location: 1p36.12.
Variant type: single nucleotide variant.
Coding change: c.7276C>T on transcript NM_005529.7 (MANE Select); coding-DNA position 7276, C replaced by T.
Protein change: p.Pro2426Ser; replaces proline 2426 with serine.
Molecular consequence: missense variant.
Genome position (GRCh38, 1-based): chr1:21,850,381, G>A on the plus strand (C>T on the coding strand, the complement: HSPG2 is on the minus strand). VCF-style: chr1-21850381-G-A. GRCh37 (hg19) VCF-style: chr1-22176874-G-A.
Other names: c.7279C>T, p.Pro2427Ser (NM_001291860.2); short protein forms P2426S, P2427S.
Identifiers: ClinVar variation 1256156 (VCV001256156.4), dbSNP rs1449593780, ClinGen allele CA338925296.

ClinVar aggregate classification (germline): Uncertain significance. Review status: criteria provided, multiple submitters, no conflicts (2 of 4 stars). 2 submissions from 2 submitters: Uncertain significance (2). Last evaluated 2021-10-25.

Allele frequency attached by ClinVar (database versions not stated): gnomAD 0.00001; TOPMed 0.00001.
gnomAD v4.1: 2 of 1,609,280 alleles (0.00012%); highest among the groups gnomAD compares: Non-Finnish European, 0.00017%; no homozygotes.

Submissions (2):

Labcorp Genetics (formerly Invitae), Labcorp
Classification: Uncertain significance. Last evaluated: 2021-10-25. Review status: criteria provided, single submitter. Criteria: Invitae Variant Classification Sherloc (09022015). Collection method: clinical testing. Allele origin: germline.
Comment: This sequence change replaces proline with serine at codon 2426 of the HSPG2 protein (p.Pro2426Ser). The proline residue is weakly conserved and there is a moderate physicochemical difference between proline and serine. This variant is not present in population databases (ExAC no frequency). This variant has not been reported in the literature in individuals affected with HSPG2-related conditions. Algorithms developed to predict the effect of missense changes on protein structure and function output the following: SIFT: "Tolerated"; PolyPhen-2: "Benign"; Align-GVGD: "Class C0". The serine amino acid residue is found in multiple mammalian species, which suggests that this missense change does not adversely affect protein function. In summary, the available evidence is currently insufficient to determine the role of this variant in disease. Therefore, it has been classified as a Variant of Uncertain Significance.

Athena Diagnostics
Classification: Uncertain significance. Last evaluated: 2020-11-25. Review status: criteria provided, single submitter. Criteria: Athena Diagnostics criteria. Collection method: clinical testing. Allele origin: unknown.